The following is an entry in ClinVar:

NM_016239.4(MYO15A):c.3866+1G>T

Gene: MYO15A (myosin XVA; plus strand). Cytogenetic location: 17p11.2.
Variant type: single nucleotide variant.
Coding change: c.3866+1G>T on transcript NM_016239.4 (MANE Select); the canonical splice donor site of the intron after coding-DNA position 3866, G replaced by T.
Molecular consequence: splice donor variant.
Genome position (GRCh38, 1-based): chr17:18,126,457, G>T. VCF-style: chr17-18126457-G-T. GRCh37 (hg19) VCF-style: chr17-18029771-G-T.
Identifiers: ClinVar variation 2807674 (VCV002807674.4), dbSNP rs374742590, ClinGen allele CA398590498.
Genomic context (GRCh38, chr17:18,126,457, plus strand): 5'-AATCTATGGGCCGGAGCAGGTGCAGCAGTACAACGGACGGGCCCTGGGAGAGAATCCCCC[G>T]TGAGTGTCTCGGGGGCGCTGCCCTGGGGTCTCTTGGGCCCCTCTTTCCCCTGCTCTGGGA-3'

ClinVar aggregate classification (germline): Pathogenic/Likely pathogenic. Review status: criteria provided, multiple submitters, no conflicts (2 of 4 stars). 2 submissions from 2 submitters: Pathogenic (1); Likely pathogenic (1). Last evaluated 2024-05-29.

Conditions:
Autosomal recessive nonsyndromic hearing loss 3. Also called: NEUROSENSORY NONSYNDROMIC RECESSIVE DEAFNESS 3. Identifiers: Orphanet 90636, MedGen C1838263, MONDO:0010860, OMIM 600316.

gnomAD v4.1: 5 of 1,613,614 alleles (0.00031%); highest among the groups gnomAD compares: Non-Finnish European, 0.00042%; no homozygotes.

Submissions (2):

Fulgent Genetics
Classification: Likely pathogenic for Autosomal recessive nonsyndromic hearing loss 3. Last evaluated: 2024-05-29. Review status: criteria provided, single submitter. Criteria: ACMG Guidelines, 2015. Collection method: clinical testing. Allele origin: germline.

Labcorp Genetics (formerly Invitae), Labcorp
Classification: Pathogenic. Last evaluated: 2023-06-09. Review status: criteria provided, single submitter. Criteria: Invitae Variant Classification Sherloc (09022015). Collection method: clinical testing. Allele origin: germline.
Comment: This variant is not present in population databases (gnomAD no frequency). For these reasons, this variant has been classified as Pathogenic. Algorithms developed to predict the effect of sequence changes on RNA splicing suggest that this variant may disrupt the consensus splice site. Disruption of this splice site has been observed in individuals with profound prelingual deafness (PMID: 32747562, 35346193). This sequence change affects a donor splice site in intron 5 of the MYO15A gene. It is expected to disrupt RNA splicing. Variants that disrupt the donor or acceptor splice site typically lead to a loss of protein function (PMID: 16199547), and loss-of-function variants in MYO15A are known to be pathogenic (PMID: 17546645).

Literature cited by the submitters: PubMed 32747562 (cited by Labcorp Genetics (formerly Invitae), Labcorp); PubMed 35346193 (cited by Labcorp Genetics (formerly Invitae), Labcorp); PubMed 16199547 (cited by Labcorp Genetics (formerly Invitae), Labcorp); PubMed 17546645 (cited by Labcorp Genetics (formerly Invitae), Labcorp).